The following is an entry in ClinVar:

ClinVar aggregate classification (germline): Uncertain significance (1 of 4 stars; one submission).

Conditions:
WDFY3-related disorder.

Submission:

3billion
Classification: Uncertain significance for WDFY3-related disorder. Last evaluated: 2024-09-28. Review status: criteria provided, single submitter. Criteria: ACMG Guidelines, 2015. Collection method: clinical testing. Allele origin: germline. Affected: yes.
Comment: The variant is not observed in the gnomAD v4.1.0 dataset. Predicted Consequence/Location: Frameshift: predicted to result in a loss or disruption of normal protein function through nonsense-mediated decay (NMD) or protein truncation. Multiple pathogenic variants are reported downstream of the variant. Therefore, this variant is classified as VUS according to the recommendation of ACMG/AMP guideline.

NM_014991.6(WDFY3):c.6671del (p.Pro2224fs)

Gene: WDFY3 (WD repeat and FYVE domain containing 3; minus strand). Cytogenetic location: 4q21.23.
Variant type: Deletion.
Coding change: c.6671del on transcript NM_014991.6 (MANE Select); coding-DNA position 6671, one base deleted (C; older notation c.6671delC).
Protein change: p.Pro2224fs; shifts the reading frame from proline 2224.
Molecular consequence: frameshift variant.
Genome position (GRCh38, 1-based): chr4:84,737,270, G deleted on the plus strand (C on the coding strand, the reverse complement: WDFY3 is on the minus strand); the first of 2 consecutive G bases (chr4:84,737,270-84,737,271); deleting either gives the same sequence. VCF-style (leftmost placement, unchanged base first): chr4-84737269-AG-A. GRCh37 (hg19) VCF-style: chr4-85658422-AG-A.
Other names: short protein forms P2224fs.
Identifiers: ClinVar variation 4294049 (VCV004294049.1).